The following is an entry in ClinVar:

ClinVar aggregate classification (germline): Uncertain significance. Review status: criteria provided, multiple submitters, no conflicts (2 of 4 stars). 2 submissions from 2 submitters: Uncertain significance (2). Last evaluated 2024-02-02.

Conditions:
Ataxia-telangiectasia syndrome (AT). Also called: Cerebello-oculocutaneous telangiectasia; Immunodeficiency with ataxia telangiectasia; ATAXIA-TELANGIECTASIA, COMPLEMENTATION GROUP A; ATAXIA-TELANGIECTASIA, FRESNO VARIANT; LOUIS-BAR SYNDROME; Ataxia-telangiectasia, complementation group E. Identifiers: Orphanet 100, MedGen C0004135, MONDO:0008840, OMIM 208900.
Familial cancer of breast. Also called: hereditary breast carcinoma; BREAST CANCER, FAMILIAL; Hereditary breast cancer. Identifiers: Orphanet 227535, MedGen C0346153, MONDO:0016419, OMIM 114480. Disease mechanism: loss of function.

Submissions (2):

Baylor Genetics
Classification: Uncertain significance for Familial cancer of breast. Last evaluated: 2024-02-02. Review status: criteria provided, single submitter. Criteria: ACMG Guidelines, 2015. Collection method: clinical testing. Allele origin: unknown.

Labcorp Genetics (formerly Invitae), Labcorp
Classification: Uncertain significance for Ataxia-telangiectasia syndrome. Last evaluated: 2021-06-28. Review status: criteria provided, single submitter. Criteria: Invitae Variant Classification Sherloc (09022015). Collection method: clinical testing. Allele origin: germline.
Comment: Algorithms developed to predict the effect of missense changes on protein structure and function are either unavailable or do not agree on the potential impact of this missense change (SIFT: "Deleterious"; PolyPhen-2: "Probably Damaging"; Align-GVGD: "Class C0"). This sequence change replaces aspartic acid with histidine at codon 7 of the ATM protein (p.Asp7His). The aspartic acid residue is moderately conserved and there is a moderate physicochemical difference between aspartic acid and histidine. This variant is not present in population databases (ExAC no frequency). This variant has not been reported in the literature in individuals with ATM-related conditions. In summary, the available evidence is currently insufficient to determine the role of this variant in disease. Therefore, it has been classified as a Variant of Uncertain Significance.

NM_000051.4(ATM):c.19G>C (p.Asp7His)

Gene: ATM (ATM serine/threonine kinase; plus strand). Cytogenetic location: 11q22.3.
Variant type: single nucleotide variant.
Coding change: c.19G>C on transcript NM_000051.4 (MANE Select); coding-DNA position 19, G replaced by C.
Protein change: p.Asp7His; replaces aspartic acid 7 with histidine.
Molecular consequence: missense variant.
Genome position (GRCh38, 1-based): chr11:108,227,643, G>C. VCF-style: chr11-108227643-G-C. GRCh37 (hg19) VCF-style: chr11-108098370-G-C.
Other names: c.19G>C, p.Asp7His (NM_001351834.2, NM_001351835.2, NM_001351836.2); short protein forms D7H.
Identifiers: ClinVar variation 1014478 (VCV001014478.10), dbSNP rs2078806188, ClinGen allele CA382519002.
Genomic context (GRCh38, chr11:108,227,643, plus strand): 5'-TTTTTTTTACAGACAGTGATGTGTGTTCTGAAATTGTGAACCATGAGTCTAGTACTTAAT[G>C]ATCTGCTTATCTGCTGCCGTCAACTAGAACATGATAGAGCTACAGAACGAAAGGTAGTAA-3'
Protein context (NP_000042.3, residues 1-17): MSLVLN[Asp7His]LLICCRQLEH